The following is an entry in ClinVar:

NM_005633.4(SOS1):c.1829T>C (p.Ile610Thr)

Gene: SOS1 (SOS Ras/Rac guanine nucleotide exchange factor 1; minus strand). Cytogenetic location: 2p22.1.
Variant type: single nucleotide variant.
Coding change: c.1829T>C on transcript NM_005633.4 (MANE Select); coding-DNA position 1829, T replaced by C.
Protein change: p.Ile610Thr; replaces isoleucine 610 with threonine.
Molecular consequence: missense variant.
Genome position (GRCh38, 1-based): chr2:39,022,599, A>G on the plus strand (T>C on the coding strand, the complement: SOS1 is on the minus strand). VCF-style: chr2-39022599-A-G. GRCh37 (hg19) VCF-style: chr2-39249740-A-G.
Other names: c.1808T>C, p.Ile603Thr (NM_001382394.1); c.1829T>C, p.Ile610Thr (NM_001382395.1); short protein forms I610T, I603T.
Identifiers: ClinVar variation 543974 (VCV000543974.42), dbSNP rs776146535, ClinGen allele CA1624544.

ClinVar aggregate classification (germline): Conflicting classifications of pathogenicity. Review status: criteria provided, conflicting classifications (1 of 4 stars). 9 submissions from 8 submitters: Uncertain significance (3); Likely benign (5). 1 of the submissions does not count toward it. Last evaluated 2026-05-17.

Conditions:
SOS1-related disorder. Also called: SOS1-related condition.
Fibromatosis, gingival, 1 (GINGF1). Identifiers: Orphanet 2024, MedGen C4551558, MONDO:0007609, OMIM 135300.
Noonan syndrome 4 (NS4). Also called: SOS1-Related Noonan Syndrome; NOONAN SYNDROME WITH PIGMENTED VILLONODULAR SYNOVITIS. Identifiers: Orphanet 648, MedGen C1853120, MONDO:0012547, OMIM 610733.
Cardiovascular phenotype. Identifiers: MedGen CN230736.
RASopathy. Also called: rasopathies; Noonan spectrum disorder. Identifiers: Orphanet 536391, MedGen C5555857, MONDO:0021060.
Noonan syndrome (NS). Also called: Noonan's syndrome. Identifiers: Orphanet 648, MedGen C0028326, MeSH D009634, MONDO:0018997. Disease mechanism: gain of function.

Allele frequency attached by ClinVar (database versions not stated): gnomAD 0.00007; gnomAD exomes 0.00007 and 0.00005; ExAC 0.00002; TOPMed 0.00005.
gnomAD v4.1: 76 of 1,613,246 alleles (0.0047%); highest among the groups gnomAD compares: East Asian, 0.056%; no homozygotes.

Submissions (9):

PreventionGenetics, part of Exact Sciences
Classification: Likely benign for SOS1-related condition. Last evaluated: 2026-05-17. Review status: criteria provided, single submitter. Criteria: ACMG Guidelines, 2015. Collection method: clinical testing. Allele origin: germline.
Comment: This variant is classified as likely benign based on ACMG/AMP sequence variant interpretation guidelines (Richards et al. 2015 PMID: 25741868, with internal and published modifications).

Labcorp Genetics (formerly Invitae), Labcorp
Classification: Likely benign for RASopathy. Last evaluated: 2026-01-09. Review status: criteria provided, single submitter. Criteria: Invitae Variant Classification Sherloc (09022015). Collection method: clinical testing. Allele origin: germline.

Blueprint Genetics
Classification: Likely benign. Last evaluated: 2024-10-03. Review status: criteria provided, single submitter. Criteria: ACMG Guidelines, 2015. Collection method: clinical testing. Allele origin: germline.

CeGaT Center for Human Genetics Tuebingen
Classification: Uncertain significance. Last evaluated: 2024-01-01. Review status: criteria provided, single submitter. Criteria: CeGaT Center For Human Genetics Tuebingen Variant Classification Criteria Version 2. Collection method: clinical testing. Allele origin: germline. Affected: yes. Observed: 2 variant alleles.

Ambry Genetics
Classification: Likely benign for Cardiovascular phenotype. Last evaluated: 2023-09-14. Review status: criteria provided, single submitter. Criteria: Ambry Variant Classification Scheme 2023. Collection method: clinical testing. Allele origin: germline.

Women's Health and Genetics/Laboratory Corporation of America, LabCorp
Classification: Likely benign. Last evaluated: 2019-03-18. Review status: criteria provided, single submitter. Criteria: LabCorp Variant Classification Summary - May 2015. Collection method: clinical testing. Allele origin: germline.
Comment: Variant summary: SOS1 c.1829T>C (p.Ile610Thr) results in a non-conservative amino acid change located in the Ras-like guanine nucleotide exchange factor, N-terminal of the encoded protein sequence. Four of five in-silico tools predict a damaging effect of the variant on protein function. The variant allele was found at a frequency of 8.3e-05 in 276230 control chromosomes. The observed variant frequency is approximately 2.8 fold of the estimated maximal expected allele frequency for a pathogenic variant in SOS1 causing Noonan Syndrome and Related Conditions phenotype (3e-05), strongly suggesting that the variant is benign. c.1829T>C has not been reported in the literature in individuals affected with Noonan Syndrome and Related Conditions. To our knowledge, no experimental evidence demonstrating an impact on protein function has been reported. One clinical diagnostic laboratory has submitted clinical-significance assessments for this variant to ClinVar after 2014 without evidence for independent evaluation. One laboratory classified the variant as uncertain significance. Based on the evidence outlined above, the variant was classified as likely benign.

Illumina Laboratory Services, Illumina
Classification: Uncertain significance for Noonan syndrome 4. Last evaluated: 2017-04-27. Review status: criteria provided, single submitter. Criteria: ICSL Variant Classification Criteria 13 December 2019. Collection method: clinical testing. Allele origin: germline.

Illumina Laboratory Services, Illumina
Classification: Uncertain significance for Fibromatosis, gingival, 1. Last evaluated: 2017-04-27. Review status: criteria provided, single submitter. Criteria: ICSL Variant Classification Criteria 13 December 2019. Collection method: clinical testing. Allele origin: germline.

Service de Génétique Moléculaire, Hôpital Robert Debré
Classification: Uncertain significance for Noonan syndrome. Review status: no assertion criteria provided. Collection method: clinical testing. Allele origin: unknown. Affected: yes. Not counted in ClinVar's aggregate classification.

Literature cited by the submitters: PubMed 18972187 (cited by Women's Health and Genetics/Laboratory Corporation of America, LabCorp).